The following is an entry in ClinVar:

NM_016151.4(TAOK2):c.3161C>G (p.Pro1054Arg)

Gene: TAOK2 (TAO kinase 2; plus strand). Cytogenetic location: 16p11.2.
Variant type: single nucleotide variant.
Coding change: c.3161C>G on transcript NM_016151.4 (MANE Select); coding-DNA position 3161, C replaced by G.
Protein change: p.Pro1054Arg; replaces proline 1054 with arginine.
Molecular consequence: missense variant. On other transcripts: intron variant (1).
Genome position (GRCh38, 1-based): chr16:29,987,433, C>G. VCF-style: chr16-29987433-C-G. GRCh37 (hg19) VCF-style: chr16-29998754-C-G.
Other names: c.2822C>G, p.Pro941Arg (NM_001252043.2); c.2232+929C>G (NM_004783.4); short protein forms P941R, P1054R.
Identifiers: ClinVar variation 4729891 (VCV004729891.1).

ClinVar aggregate classification (germline): Uncertain significance (1 of 4 stars; one submission).

gnomAD v4.1: 1 of 1,603,640 alleles (0.000062%); highest among the groups gnomAD compares: Non-Finnish European, 0.000085%; no homozygotes.

Submission:

Labcorp Genetics (formerly Invitae), Labcorp
Classification: Uncertain significance. Last evaluated: 2025-10-26. Review status: criteria provided, single submitter. Criteria: Invitae Variant Classification Sherloc (09022015). Collection method: clinical testing. Allele origin: germline.
Comment: This sequence change replaces proline, which is neutral and non-polar, with arginine, which is basic and polar, at codon 1054 of the TAOK2 protein (p.Pro1054Arg). This variant is not present in population databases (gnomAD no frequency). This variant has not been reported in the literature in individuals affected with TAOK2-related conditions. An algorithm developed to predict the effect of missense changes on protein structure and function (PolyPhen-2) suggests that this variant is likely to be disruptive. In summary, the available evidence is currently insufficient to determine the role of this variant in disease. Therefore, it has been classified as a Variant of Uncertain Significance.